The following is an entry in ClinVar:

ClinVar aggregate classification (germline): Uncertain significance. Review status: criteria provided, multiple submitters, no conflicts (2 of 4 stars). 2 submissions from 2 submitters: Uncertain significance (2). Last evaluated 2026-09-17.

Conditions:
Age related macular degeneration 4. Identifiers: MedGen C1853147, MONDO:0012540, OMIM 610698.

Allele frequency attached by ClinVar (database versions not stated): TOPMed below 0.00001; gnomAD exomes 0.00001; ExAC 0.00002; gnomAD 0.00002.
gnomAD v4.1: 14 of 1,613,940 alleles (0.00087%); highest among the groups gnomAD compares: South Asian, 0.0033%; no homozygotes.

Submissions (2):

Genomenon, Inc
Classification: Uncertain significance for Age related macular degeneration 4. Last evaluated: 2026-09-17. Review status: criteria provided, single submitter. Criteria: Genomenon Sequence Variant Interpretation Standards - Updated. Collection method: curation. Allele origin: germline. Affected: yes.
Comment: CFH p.Ile49Val (c.145A>G) is a missense variant that changes the amino acid at codon 49 from isoleucine to valine. This variant has been observed in at least one proband affected with age-related macular degeneration (PMID: 29888403). It is absent or not present at a significant frequency in gnomAD. In silico models predict that this variant is not damaging. In conclusion, we classify CFH p.Ile49Val (c.145A>G) as a variant of uncertain significance.

Labcorp Genetics (formerly Invitae), Labcorp
Classification: Uncertain significance. Last evaluated: 2022-09-27. Review status: criteria provided, single submitter. Criteria: Invitae Variant Classification Sherloc (09022015). Collection method: clinical testing. Allele origin: germline.
Comment: This missense change has been observed in individual(s) with age-related macular degeneration (PMID: 29888403). Algorithms developed to predict the effect of missense changes on protein structure and function output the following: SIFT: "Tolerated"; PolyPhen-2: "Benign"; Align-GVGD: "Class C0". The valine amino acid residue is found in multiple mammalian species, which suggests that this missense change does not adversely affect protein function. In summary, the available evidence is currently insufficient to determine the role of this variant in disease. Therefore, it has been classified as a Variant of Uncertain Significance. This variant is present in population databases (rs747546121, gnomAD 0.006%). This sequence change replaces isoleucine, which is neutral and non-polar, with valine, which is neutral and non-polar, at codon 49 of the CFH protein (p.Ile49Val).

Literature cited by the submitters: PubMed 29888403 (cited by Genomenon, Inc and Labcorp Genetics (formerly Invitae), Labcorp).

NM_000186.4(CFH):c.145A>G (p.Ile49Val)

Gene: CFH (complement factor H; plus strand). Cytogenetic location: 1q31.3.
Variant type: single nucleotide variant.
Coding change: c.145A>G on transcript NM_000186.4 (MANE Select); coding-DNA position 145, A replaced by G.
Protein change: p.Ile49Val; replaces isoleucine 49 with valine.
Molecular consequence: missense variant.
Genome position (GRCh38, 1-based): chr1:196,673,064, A>G. VCF-style: chr1-196673064-A-G. GRCh37 (hg19) VCF-style: chr1-196642194-A-G.
Other names: c.145A>G, p.Ile49Val (NM_001014975.3); short protein forms I49V.
Identifiers: ClinVar variation 2151909 (VCV002151909.6), dbSNP rs747546121, ClinGen allele CA1304956.